The following is an entry in ClinVar:

NM_006996.3(SLC19A2):c.10C>T (p.Pro4Ser)

Genes: SLC19A2 (solute carrier family 19 member 2; minus strand), LOC129931894 (ATAC-STARR-seq lymphoblastoid silent region 1546; plus strand). Cytogenetic location: 1q24.2.
Variant type: single nucleotide variant.
Coding change: c.10C>T on transcript NM_006996.3 (MANE Select); coding-DNA position 10, C replaced by T.
Protein change: p.Pro4Ser; replaces proline 4 with serine.
Molecular consequence: missense variant.
Genome position (GRCh38, 1-based): chr1:169,485,757, G>A on the plus strand (C>T on the coding strand, the complement: SLC19A2 is on the minus strand). VCF-style: chr1-169485757-G-A. GRCh37 (hg19) VCF-style: chr1-169454995-G-A.
Other names: c.10C>T, p.Pro4Ser (NM_001319667.1); short protein forms P4S.
Identifiers: ClinVar variation 293534 (VCV000293534.7), dbSNP rs886045530, ClinGen allele CA10608665.

ClinVar aggregate classification (germline): Uncertain significance. Review status: criteria provided, multiple submitters, no conflicts (2 of 4 stars). 2 submissions from 2 submitters: Uncertain significance (2). Last evaluated 2024-06-19.

Conditions:
Megaloblastic anemia, thiamine-responsive, with diabetes mellitus and sensorineural deafness (TRMA). Also called: THIAMINE METABOLISM DYSFUNCTION SYNDROME 1 (MEGALOBLASTIC ANEMIA, DIABETES MELLITUS, AND DEAFNESS TYPE); ROGERS SYNDROME; THIAMINE-RESPONSIVE ANEMIA SYNDROME; THIAMINE-RESPONSIVE MYELODYSPLASIA; Thiamine-Responsive Megaloblastic Anemia Syndrome. Identifiers: Orphanet 49827, MedGen C0342287, MONDO:0009575, OMIM 249270.

Allele frequency attached by ClinVar (database versions not stated): gnomAD 0.00003 and 0.00004; TOPMed 0.00004; gnomAD exomes 0.00005.
gnomAD v4.1: 157 of 1,534,082 alleles (0.01%); highest among the groups gnomAD compares: Non-Finnish European, 0.013%; no homozygotes.

Submissions (2):

ARUP Laboratories, Molecular Genetics and Genomics, ARUP Laboratories
Classification: Uncertain significance for Megaloblastic anemia, thiamine-responsive, with diabetes mellitus and sensorineural deafness. Last evaluated: 2024-06-19. Review status: criteria provided, single submitter. Criteria: ARUP Molecular Germline Variant Investigation Process 2024. Collection method: clinical testing. Allele origin: germline.
Comment: The SLC19A2 c.10C>T; p.Pro4Ser variant (rs886045530), to our knowledge, is not reported in the medical literature but is reported in ClinVar (Variation ID: 293534). This variant is found in the non-Finnish European population with an allele frequency of 0.01% (7/63,076 alleles) in the Genome Aggregation Database (v2.1.1). Computational analyses are uncertain whether this variant is neutral or deleterious (REVEL: 0.233). Due to limited information, the clinical significance of this variant is uncertain at this time.

Illumina Laboratory Services, Illumina
Classification: Uncertain significance for Megaloblastic anemia, thiamine-responsive, with diabetes mellitus and sensorineural deafness. Last evaluated: 2018-01-13. Review status: criteria provided, single submitter. Criteria: ICSL Variant Classification Criteria 13 December 2019. Collection method: clinical testing. Allele origin: germline.